The following is an entry in ClinVar:

NM_006180.6(NTRK2):c.289A>G (p.Thr97Ala)

Gene: NTRK2 (neurotrophic receptor tyrosine kinase 2; plus strand). Cytogenetic location: 9q21.33.
Variant type: single nucleotide variant.
Coding change: c.289A>G on transcript NM_006180.6 (MANE Select); coding-DNA position 289, A replaced by G.
Protein change: p.Thr97Ala; replaces threonine 97 with alanine.
Molecular consequence: missense variant. On other transcripts: 5 prime UTR variant (4).
Genome position (GRCh38, 1-based): chr9:84,702,349, A>G. VCF-style: chr9-84702349-A-G. GRCh37 (hg19) VCF-style: chr9-87317264-A-G.
Other names: c.289A>G, p.Thr97Ala (NM_001007097.3, NM_001018064.3, NM_001018065.2 and 18 more transcripts); c.-180A>G (NM_001369535.1, NM_001369536.1, NM_001369550.1 and 1 more transcripts); c.289A>G (NM_006180.4); short protein forms T97A.
Identifiers: ClinVar variation 4805698 (VCV004805698.2).
Genomic context (GRCh38, chr9:84,702,349, plus strand): 5'-TGGTCAGGCAGGCATTCACTGGTTCGTTCTAATGTGCATGAAATTATGTGTTTTCACAGG[A>G]CAATTGTGGATTCTGGATTAAAATTTGTGGCTCATAAAGCATTTCTGAAAAACAGCAACC-3'
Protein context (NP_006171.2, residues 87-107): VEAYVGLRNL[Thr97Ala]IVDSGLKFVA

ClinVar aggregate classification (germline): Uncertain significance. Review status: criteria provided, multiple submitters, no conflicts (2 of 4 stars). 2 submissions from 2 submitters: Uncertain significance (2). Last evaluated 2025-11-09.

Conditions:
NTRK2-related disorder. Also called: NTRK2-related condition.

gnomAD v4.1: 1 of 1,614,062 alleles (0.000062%); highest among the groups gnomAD compares: Non-Finnish European, 0.000085%; no homozygotes.

Submissions (2):

Labcorp Genetics (formerly Invitae), Labcorp
Classification: Uncertain significance. Last evaluated: 2025-11-09. Review status: criteria provided, single submitter. Criteria: Invitae Variant Classification Sherloc (09022015). Collection method: clinical testing. Allele origin: germline.
Comment: This sequence change replaces threonine, which is neutral and polar, with alanine, which is neutral and non-polar, at codon 97 of the NTRK2 protein (p.Thr97Ala). This variant is not present in population databases (gnomAD no frequency). This variant has not been reported in the literature in individuals affected with NTRK2-related conditions. An algorithm developed to predict the effect of missense changes on protein structure and function (PolyPhen-2) suggests that this variant is likely to be disruptive. In summary, the available evidence is currently insufficient to determine the role of this variant in disease. Therefore, it has been classified as a Variant of Uncertain Significance.

PreventionGenetics, part of Exact Sciences
Classification: Uncertain significance for NTRK2-related condition. Last evaluated: 2025-10-28. Review status: criteria provided, single submitter. Criteria: ACMG Guidelines, 2015. Collection method: clinical testing. Allele origin: germline.
Comment: The NTRK2 c.289A>G variant is predicted to result in the amino acid substitution p.Thr97Ala. To our knowledge, this variant has not been reported in the literature or in a large population database (gnomAD), indicating this variant is rare. At this time, the clinical significance of this variant is uncertain due to the absence of conclusive functional and genetic evidence.